The following is an entry in ClinVar:

ClinVar aggregate classification (germline): Uncertain significance (1 of 4 stars; one submission).

Conditions:
Niemann-Pick disease, type C1. Also called: NIEMANN-PICK DISEASE, VARIANT TYPE C1; NEUROVISCERAL STORAGE DISEASE WITH VERTICAL SUPRANUCLEAR OPHTHALMOPLEGIA; NIEMANN-PICK DISEASE WITH CHOLESTEROL ESTERIFICATION BLOCK; NIEMANN-PICK DISEASE WITHOUT SPHINGOMYELINASE DEFICIENCY; NIEMANN-PICK DISEASE, CHRONIC NEURONOPATHIC FORM. Identifiers: Orphanet 646, MedGen C3179455, MONDO:0009757, OMIM 257220.

Allele frequency attached by ClinVar (database versions not stated): gnomAD exomes below 0.00001.
gnomAD v4.1: 4 of 1,614,172 alleles (0.00025%); highest among the groups gnomAD compares: East Asian, 0.0022%; no homozygotes.

Submission:

Labcorp Genetics (formerly Invitae), Labcorp
Classification: Uncertain significance for Niemann-Pick disease, type C1. Last evaluated: 2025-12-11. Review status: criteria provided, single submitter. Criteria: Invitae Variant Classification Sherloc (09022015). Collection method: clinical testing. Allele origin: germline.
Comment: This sequence change replaces isoleucine, which is neutral and non-polar, with valine, which is neutral and non-polar, at codon 1171 of the NPC1 protein (p.Ile1171Val). This variant is present in population databases (no rsID available, gnomAD 0.0009%). This variant has not been reported in the literature in individuals affected with NPC1-related conditions. ClinVar contains an entry for this variant (Variation ID: 1898177). Invitae Evidence Modeling of protein sequence and biophysical properties (such as structural, functional, and spatial information, amino acid conservation, physicochemical variation, residue mobility, and thermodynamic stability) indicates that this missense variant is not expected to disrupt NPC1 protein function with a negative predictive value of 95%. In summary, the available evidence is currently insufficient to determine the role of this variant in disease. Therefore, it has been classified as a Variant of Uncertain Significance.

NM_000271.5(NPC1):c.3511A>G (p.Ile1171Val)

Gene: NPC1 (NPC intracellular cholesterol transporter 1; minus strand). Cytogenetic location: 18q11.2.
Variant type: single nucleotide variant.
Coding change: c.3511A>G on transcript NM_000271.5 (MANE Select); coding-DNA position 3511, A replaced by G.
Protein change: p.Ile1171Val; replaces isoleucine 1171 with valine.
Molecular consequence: missense variant.
Genome position (GRCh38, 1-based): chr18:23,534,526, T>C on the plus strand (A>G on the coding strand, the complement: NPC1 is on the minus strand). VCF-style: chr18-23534526-T-C. GRCh37 (hg19) VCF-style: chr18-21114490-T-C.
Other names: short protein forms I1171V.
Identifiers: ClinVar variation 1898177 (VCV001898177.3), dbSNP rs1342367428, ClinGen allele CA401791026.
Genomic context (GRCh38, chr18:23,534,526, plus strand): 5'-GTGCCTCTTCCGCGCGCTCCACGCGGCTGCCTTTCATGCTCACCGTGAACGCTCTGGTTA[T>C]GTGGCTGCAGAACTCCACGGAGATGCCACAGCTCTGAAATAAAGCACTTCCTTTAGGATG-3'
Protein context (NP_000262.2, residues 1161-1181): CGISVEFCSH[Ile1171Val]TRAFTVSMKG